The following is an entry in ClinVar:

ClinVar aggregate classification (germline): Uncertain significance (1 of 4 stars; one submission).

Conditions:
Intellectual developmental disorder with or without epilepsy or cerebellar ataxia. Identifiers: MedGen C4748041, MONDO:0060745, OMIM 618060.

gnomAD v4.1: 4 of 1,612,476 alleles (0.00025%); highest among the groups gnomAD compares: South Asian, 0.0033%; no homozygotes.

Submission:

Neuberg Centre For Genomic Medicine, NCGM
Classification: Uncertain significance for Intellectual developmental disorder with or without epilepsy or cerebellar ataxia. Review status: criteria provided, single submitter. Criteria: ACMG Guidelines, 2015. Collection method: clinical testing. Allele origin: germline. Inheritance: Autosomal dominant inheritance. Affected: yes.
Comment: The observed missense variant c.1436C>T(p.Ala479Val) in RORA gene has not been reported previously as a pathogenic variant nor as a benign variant, to our knowledge. This variant is absent in gnomAD Exomes. The amino acid Ala at position 479 is changed to a Val changing protein sequence and it might alter its composition and physico-chemical properties. Multiple lines of computational evidence (SIFT-damaging and MutationTaster-disease causing) predict a damaging effect on protein structure and function for this variant. The reference amino acid p.Ala479Val in RORA is predicted as conserved by GERP++ and PhyloP across 100 vertebrates. For these reasons, this variant has been classified as Uncertain Significance.

NM_134261.3(RORA):c.1436C>T (p.Ala479Val)

Genes: RORA (RAR related orphan receptor A; minus strand), RORA-AS1 (RORA antisense RNA 1; plus strand). Cytogenetic location: 15q22.2.
Variant type: single nucleotide variant.
Coding change: c.1436C>T on transcript NM_134261.3 (MANE Select); coding-DNA position 1436, C replaced by T.
Protein change: p.Ala479Val; replaces alanine 479 with valine.
Molecular consequence: missense variant.
Genome position (GRCh38, 1-based): chr15:60,497,591, G>A on the plus strand (C>T on the coding strand, the complement: RORA is on the minus strand). VCF-style: chr15-60497591-G-A. GRCh37 (hg19) VCF-style: chr15-60789790-G-A.
Other names: c.1511C>T, p.Ala504Val (NM_002943.4); c.1535C>T, p.Ala512Val (NM_134260.3); c.1271C>T, p.Ala424Val (NM_134262.3); short protein forms A424V, A479V, A504V, A512V.
Identifiers: ClinVar variation 3731452 (VCV003731452.1).